The following is an entry in ClinVar:

ClinVar aggregate classification (germline): Uncertain significance. Review status: criteria provided, single submitter (1 of 4 stars). 2 submissions from 2 submitters: Uncertain significance (1). 1 of the submissions does not count toward it. Last evaluated 2022-07-12.

Conditions:
PCNT-related disorder. Also called: PCNT-related condition.

Allele frequency attached by ClinVar (database versions not stated): gnomAD exomes below 0.00001; gnomAD 0.00001; TOPMed 0.00002.
gnomAD v4.1: 2 of 1,612,836 alleles (0.00012%); highest among the groups gnomAD compares: African/African-American, 0.0027%; no homozygotes.

Submissions (2):

Labcorp Genetics (formerly Invitae), Labcorp
Classification: Uncertain significance. Last evaluated: 2022-07-12. Review status: criteria provided, single submitter. Criteria: Invitae Variant Classification Sherloc (09022015). Collection method: clinical testing. Allele origin: germline.
Comment: This sequence change replaces lysine, which is basic and polar, with arginine, which is basic and polar, at codon 2015 of the PCNT protein (p.Lys2015Arg). This variant is not present in population databases (gnomAD no frequency). This variant has not been reported in the literature in individuals affected with PCNT-related conditions. ClinVar contains an entry for this variant (Variation ID: 1361609). Algorithms developed to predict the effect of missense changes on protein structure and function output the following: SIFT: "Tolerated"; PolyPhen-2: "Possibly Damaging"; Align-GVGD: "Class C0". The arginine amino acid residue is found in multiple mammalian species, which suggests that this missense change does not adversely affect protein function. Algorithms developed to predict the effect of sequence changes on RNA splicing suggest that this variant may create or strengthen a splice site. In summary, the available evidence is currently insufficient to determine the role of this variant in disease. Therefore, it has been classified as a Variant of Uncertain Significance.

PreventionGenetics, part of Exact Sciences
Classification: Uncertain significance for PCNT-related condition. Last evaluated: 2024-09-07. Review status: no assertion criteria provided. Collection method: clinical testing. Allele origin: germline. Not counted in ClinVar's aggregate classification.
Comment: The PCNT c.6044A>G variant is predicted to result in the amino acid substitution p.Lys2015Arg. To our knowledge, this variant has not been reported in the literature or in a large population database, indicating this variant is rare. At this time, the clinical significance of this variant is uncertain due to the absence of conclusive functional and genetic evidence.

NM_006031.6(PCNT):c.6044A>G (p.Lys2015Arg)

Gene: PCNT (pericentrin; plus strand). Cytogenetic location: 21q22.3.
Variant type: single nucleotide variant.
Coding change: c.6044A>G on transcript NM_006031.6 (MANE Select); coding-DNA position 6044, A replaced by G.
Protein change: p.Lys2015Arg; replaces lysine 2015 with arginine.
Molecular consequence: missense variant.
Genome position (GRCh38, 1-based): chr21:46,412,886, A>G. VCF-style: chr21-46412886-A-G. GRCh37 (hg19) VCF-style: chr21-47832800-A-G.
Other names: c.5690A>G, p.Lys1897Arg (NM_001315529.2); c.6044A>G (NM_006031.5); short protein forms K1897R, K2015R.
Identifiers: ClinVar variation 1361609 (VCV001361609.6), dbSNP rs1297236046, ClinGen allele CA410558582.